The following is an entry in ClinVar:

NM_001848.3(COL6A1):c.-65C>G

Gene: COL6A1 (collagen type VI alpha 1 chain; plus strand). Cytogenetic location: 21q22.3.
Variant type: single nucleotide variant.
Coding change: c.-65C>G on transcript NM_001848.3 (MANE Select); 65 bases upstream of the start codon, C replaced by G.
Molecular consequence: 5 prime UTR variant.
Genome position (GRCh38, 1-based): chr21:45,981,786, C>G. VCF-style: chr21-45981786-C-G. GRCh37 (hg19) VCF-style: chr21-47401700-C-G.
Identifiers: ClinVar variation 340306 (VCV000340306.5), dbSNP rs535807983, ClinGen allele CA10644856.

ClinVar aggregate classification (germline): Benign (1 of 4 stars; one submission).

Conditions:
Collagen 6-related myopathy. Identifiers: MedGen CN117976, MONDO:0100225.

Allele frequency attached by ClinVar (database versions not stated): gnomAD 0.00037; 1000 Genomes Project 0.00040; TOPMed 0.00046; 1000 Genomes Project 30x 0.00047.
gnomAD v4.1: 1,063 of 1,298,642 alleles (0.082%); highest among the groups gnomAD compares: Non-Finnish European, 0.1%; 1 homozygote.

Submission:

Illumina Laboratory Services, Illumina
Classification: Benign for Collagen VI-related myopathy. Last evaluated: 2018-01-12. Review status: criteria provided, single submitter. Criteria: ICSL Variant Classification Criteria 13 December 2019. Collection method: clinical testing. Allele origin: germline.
Comment: This variant was observed in the ICSL laboratory as part of a predisposition screen in an ostensibly healthy population. It had not been previously curated by ICSL or reported in the Human Gene Mutation Database (HGMD: prior to June 1st, 2018), and was therefore a candidate for classification through an automated scoring system. Utilizing variant allele frequency, disease prevalence and penetrance estimates, and inheritance mode, an automated score was calculated to assess if this variant is too frequent to cause the disease. Based on the score and internal cut-off values, a variant classified as benign is not then subjected to further curation. The score for this variant resulted in a classification of benign for this disease.